The following is an entry in ClinVar:

ClinVar aggregate classification (germline): Uncertain significance (1 of 4 stars; one submission).

Conditions:
Inborn genetic diseases. Identifiers: MedGen C0950123, MeSH D030342.

Submission:

Ambry Genetics
Classification: Uncertain significance for Inborn genetic diseases. Last evaluated: 2026-06-24. Review status: criteria provided, single submitter. Criteria: Ambry Variant Classification Scheme 2023. Collection method: clinical testing. Allele origin: germline.
Comment: The p.K254T variant (also known as c.761A>C), located in coding exon 5 of the ETV6 gene, results from an A to C substitution at nucleotide position 761. The lysine at codon 254 is replaced by threonine, an amino acid with similar properties. This amino acid position is conserved. In addition, this alteration is predicted to be tolerated by in silico analysis. Based on the available evidence, the clinical significance of this variant remains unclear.

NM_001987.5(ETV6):c.761A>C (p.Lys254Thr)

Gene: ETV6 (ETS variant transcription factor 6; plus strand). Cytogenetic location: 12p13.2.
Variant type: single nucleotide variant.
Coding change: c.761A>C on transcript NM_001987.5 (MANE Select); coding-DNA position 761, A replaced by C.
Protein change: p.Lys254Thr; replaces lysine 254 with threonine.
Molecular consequence: missense variant.
Genome position (GRCh38, 1-based): chr12:11,869,721, A>C. VCF-style: chr12-11869721-A-C. GRCh37 (hg19) VCF-style: chr12-12022655-A-C.
Other names: c.758A>C, p.Lys253Thr (NM_001413913.1); c.734A>C, p.Lys245Thr (NM_001413914.1); c.497A>C, p.Lys166Thr (NM_001413915.1); c.761A>C, p.Lys254Thr (NM_001413916.1, NM_001413917.1); short protein forms K253T, K245T, K166T, K254T.
Identifiers: ClinVar variation 5036149 (VCV005036149.1).
Genomic context (GRCh38, chr12:11,869,721, plus strand): 5'-CTCTGTCAGTGTCTCCCATGGAGAATAATCACTGCCCAGCGTCCTCCGAGTCCCACCCGA[A>C]GCCATCCAGCCCCCGGCAGGAGAGCACACGCGTGATCCAGCTGATGCCCAGCCCCATCAT-3'
Protein context (NP_001978.1, residues 244-264): HCPASSESHP[Lys254Thr]PSSPRQESTR